The following is an entry in ClinVar:

NM_001165963.4(SCN1A):c.755T>A (p.Ile252Asn)

Gene: SCN1A (sodium voltage-gated channel alpha subunit 1; minus strand). Cytogenetic location: 2q24.3.
Variant type: single nucleotide variant.
Coding change: c.755T>A on transcript NM_001165963.4 (MANE Select); coding-DNA position 755, T replaced by A.
Protein change: p.Ile252Asn; replaces isoleucine 252 with asparagine.
Molecular consequence: missense variant. On other transcripts: 5 prime UTR variant (1), non-coding transcript variant (1).
Genome position (GRCh38, 1-based): chr2:166,051,928, A>T on the plus strand (T>A on the coding strand, the complement: SCN1A is on the minus strand). VCF-style: chr2-166051928-A-T. GRCh37 (hg19) VCF-style: chr2-166908438-A-T.
Other names: c.755T>A, p.Ile252Asn (NM_001165964.3, NM_001202435.3, NM_001353948.2 and 10 more transcripts); c.-1671T>A (NM_001353961.2); short protein forms I252N.
Identifiers: ClinVar variation 68672 (VCV000068672.6), dbSNP rs121918780, ClinGen allele CA285255.

ClinVar aggregate classification (germline): Pathogenic/Likely pathogenic. Review status: criteria provided, multiple submitters, no conflicts (2 of 4 stars). 4 submissions from 4 submitters: Pathogenic (2); Likely pathogenic (1). 1 of the submissions does not count toward it. Last evaluated 2025-06-04.

Conditions:
Developmental and epileptic encephalopathy 6B. Also called: Developmental and epileptic encephalopathy 6B, non-Dravet. Identifiers: MedGen C5543353, MONDO:0030268, OMIM 619317.
Early-infantile DEE. Also called: Early infantile epileptic encephalopathy; Early infantile epileptic encephalopathy with suppression bursts; Ohtahara syndrome. Identifiers: Orphanet 1934, MedGen C0393706, MONDO:0800491.
Severe myoclonic epilepsy in infancy (DRVT). Also called: SEVERE MYOCLONIC EPILEPSY OF INFANCY; DEVELOPMENTAL AND EPILEPTIC ENCEPHALOPATHY 6A; Severe Myoclonic Epilepsy in Infancy (SMEI); Dravet syndrome; Epileptic encephalopathy, early infantile, 6 (Dravet syndrome). Identifiers: Orphanet 33069, MedGen C0751122, MONDO:0100135, OMIM 607208.

Submissions (4):

Labcorp Genetics (formerly Invitae), Labcorp
Classification: Pathogenic for Early-infantile DEE. Last evaluated: 2025-06-04. Review status: criteria provided, single submitter. Criteria: Invitae Variant Classification Sherloc (09022015). Collection method: clinical testing. Allele origin: germline.
Comment: This sequence change replaces isoleucine, which is neutral and non-polar, with asparagine, which is neutral and polar, at codon 252 of the SCN1A protein (p.Ile252Asn). This variant is not present in population databases (gnomAD no frequency). This missense change has been observed in individual(s) with severe myoclonic epilepsy (PMID: 15087100). In at least one individual the variant was observed to be de novo. ClinVar contains an entry for this variant (Variation ID: 68672). Invitae Evidence Modeling of protein sequence and biophysical properties (such as structural, functional, and spatial information, amino acid conservation, physicochemical variation, residue mobility, and thermodynamic stability) indicates that this missense variant is expected to disrupt SCN1A protein function with a positive predictive value of 95%. This variant disrupts the p.Ile252 amino acid residue in SCN1A. Other variant(s) that disrupt this residue have been determined to be pathogenic (internal data). This suggests that this residue is clinically significant, and that variants that disrupt this residue are likely to be disease-causing. For these reasons, this variant has been classified as Pathogenic.

3billion
Classification: Likely pathogenic for Developmental and epileptic encephalopathy 6B. Last evaluated: 2023-07-27. Review status: criteria provided, single submitter. Criteria: ACMG Guidelines, 2015. Collection method: clinical testing. Allele origin: germline. Affected: yes.
Comment: The variant is not observed in the gnomAD v2.1.1 dataset. Predicted Consequence/Location: Missense variant In silico tool predictions suggest the damaging effect of the variant on the gene or gene product (REVEL: 0.96; 3Cnet: 1.00). The same nucleotide change resulting in the same amino acid change has been previously reported to be associated with SCN1A-related disorder (ClinVar ID: VCV000068672 /PMID: 15087100).Different missense changes at the same codon (p.Ile252Leu, p.Ile252Met, p.Ile252Thr) have been reported as pathogenic/likely pathogenic with strong evidence (ClinVar ID: VCV000408928, VCV002036212 /PMID: 23195492).However, the evidence of pathogenicity is insufficient at this time. Therefore, this variant is classified as Likely pathogenic according to the recommendation of ACMG/AMP guideline.

GeneDx
Classification: Pathogenic. Last evaluated: 2021-01-11. Review status: criteria provided, single submitter. Criteria: GeneDx Variant Classification Process June 2021. Collection method: clinical testing. Allele origin: germline. Affected: yes.
Comment: Not observed in large population cohorts (Lek et al., 2016); Missense variants in this gene are often considered pathogenic (Stenson et al., 2014); In silico analysis supports that this missense variant has a deleterious effect on protein structure/function; This substitution is predicted to be within the transmembrane segment S5 of the first homologous domain; This variant is associated with the following publications: (PMID: 15087100, 28150151)

UniProtKB/Swiss-Prot
No classification provided. Condition: Severe myoclonic epilepsy in infancy. Review status: no classification provided. Collection method: not provided. Allele origin: not provided. Not counted in ClinVar's aggregate classification.

Literature cited by the submitters: PubMed 15087100 (cited by Labcorp Genetics (formerly Invitae), Labcorp and 3billion); PubMed 23195492 (cited by 3billion).